The following is an entry in ClinVar:

NM_001458.5(FLNC):c.3465G>T (p.Pro1155=)

Gene: FLNC (filamin C; plus strand). Cytogenetic location: 7q32.1.
Variant type: single nucleotide variant.
Coding change: c.3465G>T on transcript NM_001458.5 (MANE Select); coding-DNA position 3465, G replaced by T.
Protein change: p.Pro1155=; no amino-acid change (proline 1155 retained).
Molecular consequence: synonymous variant.
Genome position (GRCh38, 1-based): chr7:128,844,930, G>T. VCF-style: chr7-128844930-G-T. GRCh37 (hg19) VCF-style: chr7-128484984-G-T.
Other names: c.3465G>T, p.Pro1155= (NM_001127487.2).
Identifiers: ClinVar variation 2114962 (VCV002114962.4), dbSNP rs374686347, ClinGen allele CA457848303.
Genomic context (GRCh38, chr7:128,844,930, plus strand): 5'-TGCTGAGGCCCACATCCCTGGCTCGCCCTTCAAAGCCACCATTCGGCCTGTGTTTGACCC[G>T]AGCAAGGTGCGGGCCAGTGGACCGGGCCTGGAGCGCGGCAAGGTCGGTGAGGCAGCCACC-3'
Protein context (NP_001449.3, residues 1145-1165): FKATIRPVFD[Pro1155=]SKVRASGPGL

ClinVar aggregate classification (germline): Uncertain significance (1 of 4 stars; one submission).

Conditions:
Myofibrillar myopathy 5. Also called: Filaminopathy (type); FILAMINOPATHY, AUTOSOMAL DOMINANT. Identifiers: Orphanet 171445, MedGen C1836050, MONDO:0012289, OMIM 609524.
Distal myopathy with posterior leg and anterior hand involvement. Also called: WILLIAMS DISTAL MYOPATHY. Identifiers: Orphanet 63273, MedGen C3279722, MONDO:0013550, OMIM 614065.
Hypertrophic cardiomyopathy 26. Also called: Cardiomyopathy, familial hypertrophic, 26. Identifiers: Orphanet 75249, MedGen C4310749, MONDO:0014883, OMIM 617047.

gnomAD v4.1: 1 of 1,613,878 alleles (0.000062%); highest among the groups gnomAD compares: Admixed American, 0.0017%; no homozygotes.

Submission:

Labcorp Genetics (formerly Invitae), Labcorp
Classification: Uncertain significance for Distal myopathy with posterior leg and anterior hand involvement; Myofibrillar myopathy 5; Hypertrophic cardiomyopathy 26. Last evaluated: 2022-07-11. Review status: criteria provided, single submitter. Criteria: Invitae Variant Classification Sherloc (09022015). Collection method: clinical testing. Allele origin: germline.
Comment: This variant has not been reported in the literature in individuals affected with FLNC-related conditions. Algorithms developed to predict the effect of sequence changes on RNA splicing suggest that this variant may create or strengthen a splice site. In summary, the available evidence is currently insufficient to determine the role of this variant in disease. Therefore, it has been classified as a Variant of Uncertain Significance. This variant is not present in population databases (gnomAD no frequency). This sequence change affects codon 1155 of the FLNC mRNA. It is a 'silent' change, meaning that it does not change the encoded amino acid sequence of the FLNC protein.